The following is an entry in ClinVar:

ClinVar aggregate classification (germline): Uncertain significance (1 of 4 stars; one submission).

Conditions:
Familial cold autoinflammatory syndrome 2 (FCAS2). Identifiers: Orphanet 247868, MedGen C2673198, MONDO:0012724, OMIM 611762.

Allele frequency attached by ClinVar (database versions not stated): gnomAD 0.00001; ExAC 0.00002; TOPMed 0.00002; 1000 Genomes Project 30x 0.00016; 1000 Genomes Project 0.00020.
gnomAD v4.1: 17 of 1,614,152 alleles (0.0011%); highest among the groups gnomAD compares: Non-Finnish European, 0.0013%; no homozygotes.

Submission:

Labcorp Genetics (formerly Invitae), Labcorp
Classification: Uncertain significance for Familial cold autoinflammatory syndrome 2. Last evaluated: 2023-04-07. Review status: criteria provided, single submitter. Criteria: Invitae Variant Classification Sherloc (09022015). Collection method: clinical testing. Allele origin: germline.
Comment: ClinVar contains an entry for this variant (Variation ID: 2110301). This variant has not been reported in the literature in individuals affected with NLRP12-related conditions. This variant is present in population databases (rs185301991, gnomAD 0.002%). This sequence change replaces leucine, which is neutral and non-polar, with valine, which is neutral and non-polar, at codon 556 of the NLRP12 protein (p.Leu556Val). In summary, the available evidence is currently insufficient to determine the role of this variant in disease. Therefore, it has been classified as a Variant of Uncertain Significance. Advanced modeling of protein sequence and biophysical properties (such as structural, functional, and spatial information, amino acid conservation, physicochemical variation, residue mobility, and thermodynamic stability) performed at Invitae indicates that this missense variant is not expected to disrupt NLRP12 protein function.

NM_144687.4(NLRP12):c.1666C>G (p.Leu556Val)

Gene: NLRP12 (NLR family pyrin domain containing 12; minus strand). Cytogenetic location: 19q13.42.
Variant type: single nucleotide variant.
Coding change: c.1666C>G on transcript NM_144687.4 (MANE Select); coding-DNA position 1666, C replaced by G.
Protein change: p.Leu556Val; replaces leucine 556 with valine.
Molecular consequence: missense variant.
Genome position (GRCh38, 1-based): chr19:53,809,993, G>C on the plus strand (C>G on the coding strand, the complement: NLRP12 is on the minus strand). VCF-style: chr19-53809993-G-C. GRCh37 (hg19) VCF-style: chr19-54313247-G-C.
Other names: c.1666C>G, p.Leu556Val (NM_001277126.2, NM_001277129.1); short protein forms L556V.
Identifiers: ClinVar variation 2110301 (VCV002110301.4), dbSNP rs185301991, ClinGen allele CA9639379.
Genomic context (GRCh38, chr19:53,809,993, plus strand): 5'-CCAGGTGGCTCCTGGTCTCCTCGTTCAGGAGTCCAAACAGGAAGCGGCTGGTGAGTGCCA[G>C]GAAGCTCCTTTCAGAAAACGCGTACTCGGTCAACAGCCTGGTCACGTCCTGGTCTGGGCC-3'
Protein context (NP_653288.1, residues 546-566): TEYAFSERSF[Leu556Val]ALTSRFLFGL